The following is an entry in ClinVar:

ClinVar aggregate classification (germline): Uncertain significance (1 of 4 stars; one submission).

Conditions:
Left ventricular noncompaction 1 (LVNC1). Also called: LEFT VENTRICULAR NONCOMPACTION 1 WITH OR WITHOUT CONGENITAL HEART DEFECTS. Identifiers: Orphanet 54260, MedGen C1858725, MONDO:0011403, OMIM 604169.

Allele frequency attached by ClinVar (database versions not stated): gnomAD exomes below 0.00001; TOPMed below 0.00001; gnomAD 0.00001.
gnomAD v4.1: 3 of 1,614,040 alleles (0.00019%); highest among the groups gnomAD compares: African/African-American, 0.0027%; no homozygotes.

Submission:

Labcorp Genetics (formerly Invitae), Labcorp
Classification: Uncertain significance for Left ventricular noncompaction 1. Last evaluated: 2023-04-11. Review status: criteria provided, single submitter. Criteria: Invitae Variant Classification Sherloc (09022015). Collection method: clinical testing. Allele origin: germline.
Comment: In summary, the available evidence is currently insufficient to determine the role of this variant in disease. Therefore, it has been classified as a Variant of Uncertain Significance. Algorithms developed to predict the effect of missense changes on protein structure and function output the following: SIFT: "Not Available"; PolyPhen-2: "Benign"; Align-GVGD: "Not Available". The valine amino acid residue is found in multiple mammalian species, which suggests that this missense change does not adversely affect protein function. This variant has not been reported in the literature in individuals affected with DTNA-related conditions. This variant is present in population databases (no rsID available, gnomAD 0.01%). This sequence change replaces isoleucine, which is neutral and non-polar, with valine, which is neutral and non-polar, at codon 577 of the DTNA protein (p.Ile577Val).

NM_001386795.1(DTNA):c.1810A>G (p.Ile604Val)

Gene: DTNA (dystrobrevin alpha; plus strand). Cytogenetic location: 18q12.1.
Variant type: single nucleotide variant.
Coding change: c.1810A>G on transcript NM_001386795.1 (MANE Select); coding-DNA position 1810, A replaced by G.
Protein change: p.Ile604Val; replaces isoleucine 604 with valine.
Molecular consequence: missense variant.
Genome position (GRCh38, 1-based): chr18:34,875,305, A>G. VCF-style: chr18-34875305-A-G. GRCh37 (hg19) VCF-style: chr18-32455269-A-G.
Other names: c.1549A>G, p.Ile517Val (NM_001198938.2, NM_001198940.2, NM_001386763.1 and 5 more transcripts); c.1570A>G, p.Ile524Val (NM_001198939.2); c.856A>G, p.Ile286Val (NM_001198942.1); c.799A>G, p.Ile267Val (NM_001198943.1); c.685A>G, p.Ile229Val (NM_001198944.1); c.1555A>G, p.Ile519Val (NM_001386762.1); c.1546A>G, p.Ile516Val (NM_001386768.1, NM_001386769.1); c.1810A>G, p.Ile604Val (NM_001386788.1); and 5 more; short protein forms I225V, I577V, I229V, I517V, I519V, I604V, I267V, I286V.
Identifiers: ClinVar variation 2831796 (VCV002831796.3), dbSNP rs896071964, ClinGen allele CA297799559.
Genomic context (GRCh38, chr18:34,875,305, plus strand): 5'-GGGGCAGGCTCTCCCCGCTCCTCCCCCAGCCACACCATCAGCAGGCCAATTCCCATGCCC[A>G]TCCGGTCAGCGTCAGCCTGCTCCACCCCGACGCACACGCCGCAGGACTCCCTCACAGGAG-3'
Protein context (NP_001373724.1, residues 594-614): HTISRPIPMP[Ile604Val]RSASACSTPT